The following is an entry in ClinVar:

ClinVar aggregate classification (germline): Uncertain significance (1 of 4 stars; one submission).

Submission:

GeneDx
Classification: Uncertain significance. Last evaluated: 2024-12-13. Review status: criteria provided, single submitter. Criteria: GeneDx Variant Classification Process June 2021. Collection method: clinical testing. Allele origin: germline. Affected: yes.
Comment: Not observed at significant frequency in large population cohorts (gnomAD); In silico analysis supports that this missense variant has a deleterious effect on protein structure/function; Has not been previously published as pathogenic or benign to our knowledge

NM_197968.4(ZMYM2):c.2782G>C (p.Glu928Gln)

Gene: ZMYM2 (zinc finger MYM-type containing 2; plus strand). Cytogenetic location: 13q12.11.
Variant type: single nucleotide variant.
Coding change: c.2782G>C on transcript NM_197968.4 (MANE Select); coding-DNA position 2782, G replaced by C.
Protein change: p.Glu928Gln; replaces glutamic acid 928 with glutamine.
Molecular consequence: missense variant. On other transcripts: non-coding transcript variant (1).
Genome position (GRCh38, 1-based): chr13:20,061,095, G>C. VCF-style: chr13-20061095-G-C. GRCh37 (hg19) VCF-style: chr13-20635235-G-C.
Other names: c.2782G>C, p.Glu928Gln (NM_001190964.4, NM_001190965.4, NM_001353157.2 and 5 more transcripts); c.2587G>C, p.Glu863Gln (NM_001353161.3); c.2521G>C, p.Glu841Gln (NM_001353163.2); short protein forms E841Q, E863Q, E928Q.
Identifiers: ClinVar variation 3902966 (VCV003902966.1).